The following is an entry in ClinVar:

NM_006231.4(POLE):c.6004+6C>A

Gene: POLE (DNA polymerase epsilon, catalytic subunit; minus strand). Cytogenetic location: 12q24.33.
Variant type: single nucleotide variant.
Coding change: c.6004+6C>A on transcript NM_006231.4 (MANE Select); 6 bases into the intron after coding-DNA position 6004, C replaced by A.
Molecular consequence: intron variant.
Genome position (GRCh38, 1-based): chr12:132,634,180, G>T on the plus strand (C>A on the coding strand, the complement: POLE is on the minus strand). VCF-style: chr12-132634180-G-T. GRCh37 (hg19) VCF-style: chr12-133210766-G-T.
Identifiers: ClinVar variation 941107 (VCV000941107.9), dbSNP rs2041988611, ClinGen allele CA1139662973.

ClinVar aggregate classification (germline): Uncertain significance (1 of 4 stars; one submission).

Submission:

Labcorp Genetics (formerly Invitae), Labcorp
Classification: Uncertain significance. Last evaluated: 2023-11-18. Review status: criteria provided, single submitter. Criteria: Invitae Variant Classification Sherloc (09022015). Collection method: clinical testing. Allele origin: germline.
Comment: This sequence change falls in intron 43 of the POLE gene. It does not directly change the encoded amino acid sequence of the POLE protein. It affects a nucleotide within the consensus splice site. This variant is not present in population databases (gnomAD no frequency). This variant has not been reported in the literature in individuals affected with POLE-related conditions. ClinVar contains an entry for this variant (Variation ID: 941107). Variants that disrupt the consensus splice site are a relatively common cause of aberrant splicing (PMID: 17576681, 9536098). Algorithms developed to predict the effect of sequence changes on RNA splicing suggest that this variant is not likely to affect RNA splicing. In summary, the available evidence is currently insufficient to determine the role of this variant in disease. Therefore, it has been classified as a Variant of Uncertain Significance.

Literature cited by the submitters: PubMed 17576681; PubMed 9536098.